The following is an entry in ClinVar:

NM_012301.4(MAGI2):c.2846-68G>T

Gene: MAGI2 (membrane associated guanylate kinase, WW and PDZ domain containing 2; minus strand). Cytogenetic location: 7q21.11.
Variant type: single nucleotide variant.
Coding change: c.2846-68G>T on transcript NM_012301.4 (MANE Select); 68 bases into the intron before coding-DNA position 2846, G replaced by T.
Molecular consequence: intron variant.
Genome position (GRCh38, 1-based): chr7:78,135,274, C>A on the plus strand (G>T on the coding strand, the complement: MAGI2 is on the minus strand). VCF-style: chr7-78135274-C-A. GRCh37 (hg19) VCF-style: chr7-77764591-C-A.
Other names: c.2804-68G>T (NM_001301128.2).
Identifiers: ClinVar variation 1227579 (VCV001227579.6), dbSNP rs767682, ClinGen allele CA12650663.

ClinVar aggregate classification (germline): Benign. Review status: criteria provided, multiple submitters, no conflicts (2 of 4 stars). 3 submissions from 3 submitters: Benign (3). Last evaluated 2024-07-15.

Allele frequency attached by ClinVar (database versions not stated): 1000 Genomes Project 0.81889; 1000 Genomes Project 30x 0.82011; TOPMed 0.84716; gnomAD 0.85591 and 0.85934; gnomAD exomes 0.86064.
gnomAD v4.1: 1,081,573 of 1,258,050 alleles (86%); highest among the groups gnomAD compares: Non-Finnish European, 88%; 466,184 homozygotes.

Submissions (3):

Unidad de Genómica Garrahan, Hospital de Pediatría Garrahan
Classification: Benign. Last evaluated: 2024-07-15. Review status: criteria provided, single submitter. Criteria: ACMG Guidelines, 2015. Collection method: clinical testing. Allele origin: germline. Affected: no. Observed: 59 variant alleles.
Comment: This variant is classified as Benign based on local population frequency. This variant was detected in 63% of patients studied in a panel designed for Epileptic and Developmental Encephalopathy and Progressive Myoclonus Epilepsy. Number of patients: 59. Only high quality variants are reported.

GeneDx
Classification: Benign. Last evaluated: 2019-08-20. Review status: criteria provided, single submitter. Criteria: GeneDx Variant Classification Process June 2021. Collection method: clinical testing. Allele origin: germline. Affected: yes.

Breakthrough Genomics
Classification: Benign. Review status: criteria provided, single submitter. Criteria: ACMG Guidelines, 2015. Collection method: not provided. Allele origin: germline. Inheritance: Autosomal recessive inheritance. Affected: yes.